The following is an entry in ClinVar:

NM_003477.3(PDHX):c.411T>C (p.Asp137=)

Gene: PDHX (pyruvate dehydrogenase complex component X; plus strand). Cytogenetic location: 11p13.
Variant type: single nucleotide variant.
Coding change: c.411T>C on transcript NM_003477.3 (MANE Select); coding-DNA position 411, T replaced by C.
Protein change: p.Asp137=; no amino-acid change (aspartic acid 137 retained).
Molecular consequence: synonymous variant. On other transcripts: intron variant (1).
Genome position (GRCh38, 1-based): chr11:34,957,452, T>C. VCF-style: chr11-34957452-T-C. GRCh37 (hg19) VCF-style: chr11-34978999-T-C.
Other names: c.231T>C, p.Asp77= (NM_001135024.2); c.342+9846T>C (NM_001166158.2).
Identifiers: ClinVar variation 681462 (VCV000681462.10), dbSNP rs145394719, ClinGen allele CA5945863.
Genomic context (GRCh38, chr11:34,957,452, plus strand): 5'-AGGAAGTAAAAATATACGGCTAGGTTCACTAATTGGTTTGATAGTAGAAGAAGGAGAAGA[T>C]TGGAAACATGTTGAAATTCCCAAAGACGTAGGTCCTCCACCACCAGTTTCAAAACCTTCA-3'
Protein context (NP_003468.2, residues 127-147): LIGLIVEEGE[Asp137=]WKHVEIPKDV

ClinVar aggregate classification (germline): Likely benign. Review status: criteria provided, multiple submitters, no conflicts (2 of 4 stars). 6 submissions from 6 submitters: Likely benign (4). 2 of the submissions do not count toward it. Last evaluated 2026-09-01.

Allele frequency attached by ClinVar (database versions not stated): ExAC 0.00012; gnomAD exomes 0.00014 and 0.00029; TOPMed 0.00020; gnomAD 0.00021; ESP Exome Variant Server 0.00038.
gnomAD v4.1: 457 of 1,613,662 alleles (0.028%); highest among the groups gnomAD compares: Non-Finnish European, 0.037%; no homozygotes.

Submissions (6):

CeGaT Center for Human Genetics Tuebingen
Classification: Likely benign. Last evaluated: 2026-09-01. Review status: criteria provided, single submitter. Criteria: CeGaT Center For Human Genetics Tuebingen Variant Classification Criteria Version 2. Collection method: clinical testing. Allele origin: germline. Affected: yes. Observed: 1 variant allele.
Comment: PDHX: BP4, BP7

Labcorp Genetics (formerly Invitae), Labcorp
Classification: Likely benign. Last evaluated: 2025-11-18. Review status: criteria provided, single submitter. Criteria: Invitae Variant Classification Sherloc (09022015). Collection method: clinical testing. Allele origin: germline.

Blueprint Genetics
Classification: Likely benign. Last evaluated: 2024-04-09. Review status: criteria provided, single submitter. Criteria: ACMG Guidelines, 2015. Collection method: clinical testing. Allele origin: germline.

GeneDx
Classification: Likely benign. Last evaluated: 2018-04-10. Review status: criteria provided, single submitter. Criteria: GeneDx Variant Classification (06012015). Collection method: clinical testing. Allele origin: germline. Affected: yes.
Comment: This variant is considered likely benign or benign based on one or more of the following criteria: it is a conservative change, it occurs at a poorly conserved position in the protein, it is predicted to be benign by multiple in silico algorithms, and/or has population frequency not consistent with disease.

Clinical Genetics DNA and cytogenetics Diagnostics Lab, Erasmus MC, Erasmus Medical Center
Classification: Likely benign. Review status: no assertion criteria provided. Collection method: clinical testing. Allele origin: germline. Affected: yes. Study: VKGL Data-share Consensus. Not counted in ClinVar's aggregate classification.

Clinical Genetics, Academic Medical Center
Classification: Likely benign. Review status: no assertion criteria provided. Collection method: clinical testing. Allele origin: germline. Affected: yes. Study: VKGL Data-share Consensus. Not counted in ClinVar's aggregate classification.